The following is an entry in ClinVar:

ClinVar aggregate classification (germline): Conflicting classifications of pathogenicity. Review status: criteria provided, conflicting classifications (1 of 4 stars). 9 submissions from 9 submitters: Uncertain significance (1); Likely benign (7). 1 of the submissions does not count toward it. Last evaluated 2026-02-02.

Conditions:
ADGRV1-related disorder. Also called: ADGRV1-related disorders; ADGRV1-related condition.

Allele frequency attached by ClinVar (database versions not stated): gnomAD exomes 0.00016 and 0.00049; ExAC 0.00053; ESP Exome Variant Server 0.00124; 1000 Genomes Project 30x 0.00125; gnomAD 0.00139 and 0.00145; 1000 Genomes Project 0.00140; TOPMed 0.00162.
gnomAD v4.1: 456 of 1,611,122 alleles (0.028%); highest among the groups gnomAD compares: African/African-American, 0.37%; 3 homozygotes.

Submissions (9):

Labcorp Genetics (formerly Invitae), Labcorp
Classification: Likely benign. Last evaluated: 2026-02-02. Review status: criteria provided, single submitter. Criteria: Invitae Variant Classification Sherloc (09022015). Collection method: clinical testing. Allele origin: germline.

CeGaT Center for Human Genetics Tuebingen
Classification: Likely benign. Last evaluated: 2025-05-01. Review status: criteria provided, single submitter. Criteria: CeGaT Center For Human Genetics Tuebingen Variant Classification Criteria Version 2. Collection method: clinical testing. Allele origin: germline. Affected: yes. Observed: 2 variant alleles.
Comment: ADGRV1: BS2

Blueprint Genetics
Classification: Likely benign. Last evaluated: 2024-10-24. Review status: criteria provided, single submitter. Criteria: ACMG Guidelines, 2015. Collection method: clinical testing. Allele origin: germline.

Women's Health and Genetics/Laboratory Corporation of America, LabCorp
Classification: Likely benign. Last evaluated: 2024-01-18. Review status: criteria provided, single submitter. Criteria: LabCorp Variant Classification Summary - May 2015. Collection method: clinical testing. Allele origin: germline.
Comment: Variant summary: ADGRV1 c.5072C>T (p.Thr1691Met) results in a non-conservative amino acid change in the encoded protein sequence. Four of five in-silico tools predict a damaging effect of the variant on protein function. The variant allele was found at a frequency of 0.00028 in 1611122 control chromosomes, including 3 homozygotes, predominantly at a frequency of 0.0037 within the African or African-American subpopulation in the gnomAD database, suggesting that the variant is a benign polymorphism. To our knowledge, no occurrence of c.5072C>T in individuals affected with ADGRV1-Related Disorders and no experimental evidence demonstrating its impact on protein function have been reported. ClinVar contains an entry for this variant (Variation ID: 227407). Based on the evidence outlined above, the variant was classified as likely benign.

GeneDx
Classification: Likely benign. Last evaluated: 2020-09-24. Review status: criteria provided, single submitter. Criteria: GeneDx Variant Classification Process June 2021. Collection method: clinical testing. Allele origin: germline. Affected: yes.

Eurofins Ntd Llc (ga)
Classification: Uncertain significance. Last evaluated: 2018-08-13. Review status: criteria provided, single submitter. Criteria: EGL ClinVar v180209 classification definitions. Collection method: clinical testing. Allele origin: germline. Observed: 2 variant alleles, 2 heterozygotes.

ARUP Laboratories, Molecular Genetics and Genomics, ARUP Laboratories
Classification: Likely benign. Last evaluated: 2016-11-02. Review status: criteria provided, single submitter. Criteria: ARUP Molecular Germline Variant Investigation Process. Collection method: clinical testing. Allele origin: germline.

Laboratory for Molecular Medicine, Mass General Brigham Personalized Medicine
Classification: Likely benign. Last evaluated: 2012-04-30. Review status: criteria provided, single submitter. Criteria: LMM Criteria. Collection method: clinical testing. Allele origin: germline. Observed: 1 variant allele.
Comment: Thr1691Met in Exon 23 of GPR98: This variant is not expected to have clinical si gnificance because it has been identified in 0.3% (11/3156) of African American chromosomes from a broad population by the NHLBI Exome Sequencing Project (dbSNP rs146954342).

PreventionGenetics, part of Exact Sciences
Classification: Likely benign for ADGRV1-related condition. Last evaluated: 2021-06-28. Review status: no assertion criteria provided. Collection method: clinical testing. Allele origin: germline. Not counted in ClinVar's aggregate classification.
Comment: This variant is classified as likely benign based on ACMG/AMP sequence variant interpretation guidelines (Richards et al. 2015 PMID: 25741868, with internal and published modifications).

NM_032119.4(ADGRV1):c.5072C>T (p.Thr1691Met)

Gene: ADGRV1 (adhesion G protein-coupled receptor V1; plus strand). Cytogenetic location: 5q14.3.
Variant type: single nucleotide variant.
Coding change: c.5072C>T on transcript NM_032119.4 (MANE Select); coding-DNA position 5072, C replaced by T.
Protein change: p.Thr1691Met; replaces threonine 1691 with methionine.
Molecular consequence: missense variant. On other transcripts: non-coding transcript variant (1).
Genome position (GRCh38, 1-based): chr5:90,674,196, C>T. VCF-style: chr5-90674196-C-T. GRCh37 (hg19) VCF-style: chr5-89970013-C-T.
Other names: short protein forms T1691M.
Identifiers: ClinVar variation 227407 (VCV000227407.56), dbSNP rs146954342, ClinGen allele CA3339472.
Genomic context (GRCh38, chr5:90,674,196, plus strand): 5'-GAGATGGGAAGCTAGGCTCAACTCCTACCAGTGGTGCAAGCATAGATCCTGAAAAGGAAA[C>T]GACTGATATCACCATCAAAGCTAGTGATCATCCATATGGTAACCTGCTCCTTTTGCAAGA-3'
Protein context (NP_115495.3, residues 1681-1701): SGASIDPEKE[Thr1691Met]TDITIKASDH